The following is an entry in ClinVar:

NM_000287.4(PEX6):c.654C>G (p.Phe218Leu)

Gene: PEX6 (peroxisomal biogenesis factor 6; minus strand). Cytogenetic location: 6p21.1.
Variant type: single nucleotide variant.
Coding change: c.654C>G on transcript NM_000287.4 (MANE Select); coding-DNA position 654, C replaced by G.
Protein change: p.Phe218Leu; replaces phenylalanine 218 with leucine.
Molecular consequence: missense variant. On other transcripts: non-coding transcript variant (1), intron variant (1).
Genome position (GRCh38, 1-based): chr6:42,978,497, G>C on the plus strand (C>G on the coding strand, the complement: PEX6 is on the minus strand). VCF-style: chr6-42978497-G-C. GRCh37 (hg19) VCF-style: chr6-42946235-G-C.
Other names: c.618+36C>G (NM_001316313.2); short protein forms F218L.
Identifiers: ClinVar variation 224318 (VCV000224318.5), dbSNP rs886037779, ClinGen allele CA10575898.

ClinVar aggregate classification (germline): Conflicting classifications of pathogenicity. Review status: criteria provided, conflicting classifications (1 of 4 stars). 4 submissions from 4 submitters: Pathogenic (1); Likely pathogenic (1); Uncertain significance (1). 1 of the submissions does not count toward it. Last evaluated 2026-02-07.

Conditions:
PEX6-related disorder. Also called: PEX6-related condition; PEX6-related disorders.
Heimler syndrome 2 (HMLR2). Also called: PEROXISOME BIOGENESIS DISORDER 4C. Identifiers: Orphanet 3220, MedGen C4225267, OMIM 616617, MONDO:0014709.
Peroxisome biogenesis disorder 4B (PBD4B). Also called: SPINOCEREBELLAR ATAXIA WITH BLINDNESS AND DEAFNESS 1. Identifiers: Orphanet 44, Orphanet 95433, MedGen C3553937, MONDO:0013931, OMIM 614863.
Peroxisome biogenesis disorder 4A (Zellweger) (PBD4A). Also called: Zellweger syndrome spectrum (PEX6-related). Identifiers: Orphanet 912, MedGen C3553936, MONDO:0013930, OMIM 614862. Disease mechanism: loss of function.

Allele frequency attached by ClinVar (database versions not stated): gnomAD exomes below 0.00001.

Submissions (4):

PreventionGenetics, part of Exact Sciences
Classification: Likely pathogenic for PEX6-related condition. Last evaluated: 2026-02-07. Review status: criteria provided, single submitter. Criteria: ACMG Guidelines, 2015. Collection method: clinical testing. Allele origin: germline.
Comment: The PEX6 c.654C>G variant is predicted to result in the amino acid substitution p.Phe218Leu. This variant has been reported in a single family of compound heterozygous individuals with features of Heimler syndrome (Family 1, Figure S5, Smith et al. 2016. PubMed ID: 27302843). This variant is reported in 0.0033% of alleles in individuals of South Asian descent in gnomAD. Taken together, this variant is interpreted as likely pathogenic.

Women's Health and Genetics/Laboratory Corporation of America, LabCorp
Classification: Uncertain significance. Last evaluated: 2024-05-20. Review status: criteria provided, single submitter. Criteria: LabCorp Variant Classification Summary - May 2015. Collection method: clinical testing. Allele origin: germline.
Comment: Variant summary: PEX6 c.654C>G (p.Phe218Leu) results in a non-conservative amino acid change in the encoded protein sequence. Four of five in-silico tools predict a damaging effect of the variant on protein function. The variant allele was found at a frequency of 4e-06 in 251178 control chromosomes. The available data on variant occurrences in the general population are insufficient to allow any conclusion about variant significance. c.654C>G has been reported in the literature in at-least one individual affected with Heimler syndrome (example: Smith_2016) . These data do not allow any conclusion about variant significance. To our knowledge, no experimental evidence demonstrating an impact on protein function has been reported. The following publication has been ascertained in the context of this evaluation (PMID: 27302843). ClinVar contains an entry for this variant (Variation ID: 224318). Based on the evidence outlined above, the variant was classified as uncertain significance.

Leeds Amelogenesis Imperfecta Research Group, University of Leeds
Classification: Pathogenic for Heimler syndrome 2. Last evaluated: 2015-10-01. Review status: criteria provided, single submitter. Criteria: Submitter's publication. Collection method: research. Allele origin: germline. Affected: yes.
Comment: Newly identified

Counsyl
Classification: Uncertain significance for Peroxisome biogenesis disorder 4A (Zellweger); Peroxisome biogenesis disorder 4B. Last evaluated: 2017-09-15. Review status: no assertion criteria provided. Collection method: clinical testing. Allele origin: unknown. Not counted in ClinVar's aggregate classification.

Literature cited by the submitters: PubMed 27302843 (cited by Women's Health and Genetics/Laboratory Corporation of America, LabCorp and Counsyl).